The following is an entry in ClinVar:

NM_015354.3(NUP188):c.2094C>T (p.Thr698=)

Gene: NUP188 (nucleoporin 188; plus strand). Cytogenetic location: 9q34.11.
Variant type: single nucleotide variant.
Coding change: c.2094C>T on transcript NM_015354.3 (MANE Select); coding-DNA position 2094, C replaced by T.
Protein change: p.Thr698=; no amino-acid change (threonine 698 retained).
Molecular consequence: synonymous variant.
Genome position (GRCh38, 1-based): chr9:128,986,575, C>T. VCF-style: chr9-128986575-C-T. GRCh37 (hg19) VCF-style: chr9-131748854-C-T.
Identifiers: ClinVar variation 3047375 (VCV003047375.2), dbSNP rs374697679, ClinGen allele CA200438788.

ClinVar aggregate classification (germline): Likely benign (0 of 4 stars; one submission).

Conditions:
NUP188-related disorder. Also called: NUP188-related condition.

Allele frequency attached by ClinVar (database versions not stated): gnomAD exomes below 0.00001; gnomAD 0.00002; TOPMed 0.00006; ESP Exome Variant Server 0.00008.
gnomAD v4.1: 11 of 1,613,868 alleles (0.00068%); highest among the groups gnomAD compares: African/African-American, 0.011%; 1 homozygote.

Submission:

PreventionGenetics, part of Exact Sciences
Classification: Likely benign for NUP188-related condition. Last evaluated: 2019-02-26. Review status: no assertion criteria provided. Collection method: clinical testing. Allele origin: germline.
Comment: This variant is classified as likely benign based on ACMG/AMP sequence variant interpretation guidelines (Richards et al. 2015 PMID: 25741868, with internal and published modifications).